The following is an entry in ClinVar:

NM_001641.4(APEX1):c.721G>A (p.Gly241Arg)

Genes: APEX1 (apurinic/apyrimidinic endodeoxyribonuclease 1; plus strand), LOC124958010 (Sharpr-MPRA regulatory region 9617; plus strand). Cytogenetic location: 14q11.2.
Variant type: single nucleotide variant.
Coding change: c.721G>A on transcript NM_001641.4 (MANE Select); coding-DNA position 721, G replaced by A.
Protein change: p.Gly241Arg; replaces glycine 241 with arginine.
Molecular consequence: missense variant.
Genome position (GRCh38, 1-based): chr14:20,457,272, G>A. VCF-style: chr14-20457272-G-A. GRCh37 (hg19) VCF-style: chr14-20925431-G-A.
Other names: c.721G>A, p.Gly241Arg (NM_001244249.2, NM_080648.3, NM_080649.3); short protein forms G241R.
Identifiers: ClinVar variation 709908 (VCV000709908.7), dbSNP rs33956927, ClinGen allele CA7081641.

ClinVar aggregate classification (germline): Benign. Review status: criteria provided, multiple submitters, no conflicts (2 of 4 stars). 3 submissions from 3 submitters: Benign (2). 1 of the submissions does not count toward it. Last evaluated 2019-12-31.

Conditions:
APEX1-related disorder. Also called: APEX1-related condition.

Allele frequency attached by ClinVar (database versions not stated): gnomAD exomes 0.00138; ExAC 0.00166; ESP Exome Variant Server 0.00461; gnomAD 0.00526 and 0.00558; TOPMed 0.00565; 1000 Genomes Project 30x 0.00859; 1000 Genomes Project 0.00879.

Submissions (3):

Labcorp Genetics (formerly Invitae), Labcorp
Classification: Benign. Last evaluated: 2019-12-31. Review status: criteria provided, single submitter. Criteria: Invitae Variant Classification Sherloc (09022015). Collection method: clinical testing. Allele origin: germline.

Breakthrough Genomics
Classification: Benign. Review status: criteria provided, single submitter. Criteria: ACMG Guidelines, 2015. Collection method: not provided. Allele origin: germline. Inheritance: Unknown mechanism. Affected: yes.

PreventionGenetics, part of Exact Sciences
Classification: Benign for APEX1-related condition. Last evaluated: 2019-05-01. Review status: no assertion criteria provided. Collection method: clinical testing. Allele origin: germline. Not counted in ClinVar's aggregate classification.
Comment: This variant is classified as benign based on ACMG/AMP sequence variant interpretation guidelines (Richards et al. 2015 PMID: 25741868, with internal and published modifications).